The following is an entry in ClinVar:

NM_001267550.2(TTN):c.26932G>C (p.Asp8978His)

Gene: TTN (titin; minus strand). Cytogenetic location: 2q31.2.
Variant type: single nucleotide variant.
Coding change: c.26932G>C on transcript NM_001267550.2 (MANE Select); coding-DNA position 26932, G replaced by C.
Protein change: p.Asp8978His; replaces aspartic acid 8978 with histidine.
Molecular consequence: missense variant. On other transcripts: intron variant (3).
Genome position (GRCh38, 1-based): chr2:178,713,202, C>G on the plus strand (G>C on the coding strand, the complement: TTN is on the minus strand). VCF-style: chr2-178713202-C-G. GRCh37 (hg19) VCF-style: chr2-179577929-C-G.
Other names: c.26932G>C (NM_001267550.1); c.25981G>C, p.Asp8661His (NM_001256850.1); c.23200G>C, p.Asp7734His (NM_133378.4); c.13282+24880G>C (NM_003319.4); c.13858+24880G>C (NM_133437.4); c.13657+24880G>C (NM_133432.3); short protein forms D7734H, D8978H, D8661H.
Identifiers: ClinVar variation 497190 (VCV000497190.11), dbSNP rs773744166, ClinGen allele CA1999897.
Genomic context (GRCh38, chr2:178,713,202, plus strand): 5'-ATGTGTAGTCACCACTGTCTGATTCTTCCAGCATGTTCACAGTTAAAGCACAAGTATTAT[C>G]TGTCAGGGTGGTCTGGTATTTCCTTCCACTACTGATCTCATTTCCTTCATGGAACCAGGA-3'
Protein context (NP_001254479.2, residues 8968-8988): SGRKYQTTLT[Asp8978His]NTCALTVNML

ClinVar aggregate classification (germline): Uncertain significance. Review status: criteria provided, multiple submitters, no conflicts (2 of 4 stars). 3 submissions from 3 submitters: Uncertain significance (3). Last evaluated 2025-04-23.

Allele frequency attached by ClinVar (database versions not stated): gnomAD exomes below 0.00001 and 0.00002; TOPMed below 0.00001; ExAC 0.00001.
gnomAD v4.1: 2 of 1,613,698 alleles (0.00012%); highest among the groups gnomAD compares: Admixed American, 0.0033%; no homozygotes.

Submissions (3):

Revvity Omics, Revvity
Classification: Uncertain significance. Last evaluated: 2025-04-23. Review status: criteria provided, single submitter. Criteria: ACMG Guidelines, 2015. Collection method: clinical testing. Allele origin: germline.

GeneDx
Classification: Uncertain significance. Last evaluated: 2024-12-26. Review status: criteria provided, single submitter. Criteria: GeneDx Variant Classification Process June 2021. Collection method: clinical testing. Allele origin: germline. Affected: yes.
Comment: Not observed at significant frequency in large population cohorts (gnomAD); Missense variant in a gene in which most reported pathogenic variants are truncating/loss of function; Has not been previously published as pathogenic or benign to our knowledge

Eurofins Ntd Llc (ga)
Classification: Uncertain significance. Last evaluated: 2016-09-27. Review status: criteria provided, single submitter. Criteria: EGL Classification Definitions 2015. Collection method: clinical testing. Allele origin: germline. Observed: 1 variant allele, 1 heterozygote.